The following is an entry in ClinVar:

NM_014140.4(SMARCAL1):c.1832G>A (p.Arg611His)

Gene: SMARCAL1 (SNF2 related chromatin remodeling annealing helicase 1; plus strand). Cytogenetic location: 2q35.
Variant type: single nucleotide variant.
Coding change: c.1832G>A on transcript NM_014140.4 (MANE Select); coding-DNA position 1832, G replaced by A.
Protein change: p.Arg611His; replaces arginine 611 with histidine.
Molecular consequence: missense variant.
Genome position (GRCh38, 1-based): chr2:216,447,139, G>A. VCF-style: chr2-216447139-G-A. GRCh37 (hg19) VCF-style: chr2-217311862-G-A.
Other names: c.1832G>A, p.Arg611His (NM_001127207.2); short protein forms R611H.
Identifiers: ClinVar variation 1449757 (VCV001449757.3), dbSNP rs753996369, ClinGen allele CA2098010.

ClinVar aggregate classification (germline): Uncertain significance (1 of 4 stars; one submission).

Conditions:
Schimke immuno-osseous dysplasia (SIOD). Also called: Schimke Immunoosseous Dysplasia. Identifiers: Orphanet 1830, MedGen C0877024, MONDO:0009458, OMIM 242900.

Allele frequency attached by ClinVar (database versions not stated): gnomAD exomes below 0.00001; ExAC 0.00001.
gnomAD v4.1: 3 of 1,613,918 alleles (0.00019%); highest among the groups gnomAD compares: African/African-American, 0.0013%; no homozygotes.

Submission:

Labcorp Genetics (formerly Invitae), Labcorp
Classification: Uncertain significance for Schimke immuno-osseous dysplasia. Last evaluated: 2022-08-21. Review status: criteria provided, single submitter. Criteria: Invitae Variant Classification Sherloc (09022015). Collection method: clinical testing. Allele origin: germline.
Comment: This sequence change replaces arginine, which is basic and polar, with histidine, which is basic and polar, at codon 611 of the SMARCAL1 protein (p.Arg611His). The frequency data for this variant in the population databases is considered unreliable, as metrics indicate poor data quality at this position in the gnomAD database. This variant has not been reported in the literature in individuals affected with SMARCAL1-related conditions. ClinVar contains an entry for this variant (Variation ID: 1449757). Algorithms developed to predict the effect of missense changes on protein structure and function (SIFT, PolyPhen-2, Align-GVGD) all suggest that this variant is likely to be disruptive. In summary, the available evidence is currently insufficient to determine the role of this variant in disease. Therefore, it has been classified as a Variant of Uncertain Significance.